The following is an entry in ClinVar:

NM_024652.6(LRRK1):c.4816T>C (p.Tyr1606His)

Genes: LRRK1 (leucine rich repeat kinase 1; plus strand), LRRK1-AS1 (LRRK1 antisense RNA 1; minus strand). Cytogenetic location: 15q26.3.
Variant type: single nucleotide variant.
Coding change: c.4816T>C on transcript NM_024652.6 (MANE Select); coding-DNA position 4816, T replaced by C.
Protein change: p.Tyr1606His; replaces tyrosine 1606 with histidine.
Molecular consequence: missense variant.
Genome position (GRCh38, 1-based): chr15:101,062,592, T>C. VCF-style: chr15-101062592-T-C. GRCh37 (hg19) VCF-style: chr15-101602797-T-C.
Other names: short protein forms Y1606H.
Identifiers: ClinVar variation 1718598 (VCV001718598.5), dbSNP rs2505504815, ClinGen allele CA393957952.

ClinVar aggregate classification (germline): Uncertain significance (1 of 4 stars; one submission).

Submission:

Labcorp Genetics (formerly Invitae), Labcorp
Classification: Uncertain significance. Last evaluated: 2022-09-01. Review status: criteria provided, single submitter. Criteria: Invitae Variant Classification Sherloc (09022015). Collection method: clinical testing. Allele origin: germline.
Comment: In summary, the available evidence is currently insufficient to determine the role of this variant in disease. Therefore, it has been classified as a Variant of Uncertain Significance. Algorithms developed to predict the effect of missense changes on protein structure and function are either unavailable or do not agree on the potential impact of this missense change (SIFT: "Deleterious"; PolyPhen-2: "Probably Damaging"; Align-GVGD: "Class C0"). This variant has not been reported in the literature in individuals affected with LRRK1-related conditions. This variant is not present in population databases (gnomAD no frequency). This sequence change replaces tyrosine, which is neutral and polar, with histidine, which is basic and polar, at codon 1606 of the LRRK1 protein (p.Tyr1606His).